The following is an entry in ClinVar:

NM_002439.5(MSH3):c.2539T>C (p.Cys847Arg)

Gene: MSH3 (mutS homolog 3; plus strand). Cytogenetic location: 5q14.1.
Variant type: single nucleotide variant.
Coding change: c.2539T>C on transcript NM_002439.5 (MANE Select); coding-DNA position 2539, T replaced by C.
Protein change: p.Cys847Arg; replaces cysteine 847 with arginine.
Molecular consequence: missense variant.
Genome position (GRCh38, 1-based): chr5:80,787,668, T>C. VCF-style: chr5-80787668-T-C. GRCh37 (hg19) VCF-style: chr5-80083487-T-C.
Other names: short protein forms C847R.
Identifiers: ClinVar variation 4705713 (VCV004705713.1).
Genomic context (GRCh38, chr5:80,787,668, plus strand): 5'-CACCTAGCAACTGTTGACTGCATTTTCTCCCTGGCCAAGGTCGCTAAGCAAGGAGATTAC[T>C]GCAGGTAAGATATTTTTCATTTTCCTCTTTATCAGTGCTTTAGATAAGATGACATTATTC-3'
Protein context (NP_002430.3, residues 837-857): LAKVAKQGDY[Cys847Arg]RPTVQEERKI

ClinVar aggregate classification (germline): Uncertain significance (1 of 4 stars; one submission).

Submission:

Labcorp Genetics (formerly Invitae), Labcorp
Classification: Uncertain significance. Last evaluated: 2025-10-25. Review status: criteria provided, single submitter. Criteria: Invitae Variant Classification Sherloc (09022015). Collection method: clinical testing. Allele origin: germline.
Comment: This sequence change replaces cysteine, which is neutral and slightly polar, with arginine, which is basic and polar, at codon 847 of the MSH3 protein (p.Cys847Arg). This variant is not present in population databases (gnomAD no frequency). This variant has not been reported in the literature in individuals affected with MSH3-related conditions. An algorithm developed to predict the effect of missense changes on protein structure and function (PolyPhen-2) suggests that this variant is likely to be disruptive. In summary, the available evidence is currently insufficient to determine the role of this variant in disease. Therefore, it has been classified as a Variant of Uncertain Significance.